The following is an entry in ClinVar:

NM_014714.4(IFT140):c.1708G>C (p.Gly570Arg)

Gene: IFT140 (intraflagellar transport 140; minus strand). Cytogenetic location: 16p13.3.
Variant type: single nucleotide variant.
Coding change: c.1708G>C on transcript NM_014714.4 (MANE Select); coding-DNA position 1708, G replaced by C.
Protein change: p.Gly570Arg; replaces glycine 570 with arginine.
Molecular consequence: missense variant.
Genome position (GRCh38, 1-based): chr16:1,568,279, C>G on the plus strand (G>C on the coding strand, the complement: IFT140 is on the minus strand). VCF-style: chr16-1568279-C-G. GRCh37 (hg19) VCF-style: chr16-1618280-C-G.
Other names: short protein forms G570R.
Identifiers: ClinVar variation 1472911 (VCV001472911.5), dbSNP rs749278176, ClinGen allele CA394207397.

ClinVar aggregate classification (germline): Uncertain significance (1 of 4 stars; one submission).

Conditions:
Saldino-Mainzer syndrome (SRTD9). Also called: Renal dysplasia, retinal pigmentary dystrophy, cerebellar ataxia and skeletal dysplasia; CONORENAL SYNDROME; SHORT-RIB THORACIC DYSPLASIA 9 WITHOUT POLYDACTYLY; short-rib thoracic dysplasia 9 with or without polydactyly. Identifiers: Orphanet 140969, MedGen C1849437, MONDO:0009964, OMIM 266920.

Allele frequency attached by ClinVar (database versions not stated): gnomAD exomes below 0.00001; gnomAD 0.00001.
gnomAD v4.1: 3 of 1,613,474 alleles (0.00019%); highest among the groups gnomAD compares: Admixed American, 0.0033%; no homozygotes.

Submission:

Labcorp Genetics (formerly Invitae), Labcorp
Classification: Uncertain significance for Saldino-Mainzer syndrome. Last evaluated: 2025-04-21. Review status: criteria provided, single submitter. Criteria: Invitae Variant Classification Sherloc (09022015). Collection method: clinical testing. Allele origin: germline.
Comment: This sequence change replaces glycine, which is neutral and non-polar, with arginine, which is basic and polar, at codon 570 of the IFT140 protein (p.Gly570Arg). This variant is present in population databases (no rsID available, gnomAD 0.006%). This variant has not been reported in the literature in individuals affected with IFT140-related conditions. ClinVar contains an entry for this variant (Variation ID: 1472911). Invitae Evidence Modeling of protein sequence and biophysical properties (such as structural, functional, and spatial information, amino acid conservation, physicochemical variation, residue mobility, and thermodynamic stability) indicates that this missense variant is not expected to disrupt IFT140 protein function with a negative predictive value of 80%. In summary, the available evidence is currently insufficient to determine the role of this variant in disease. Therefore, it has been classified as a Variant of Uncertain Significance.